The following is an entry in ClinVar:

NM_001282874.2(SMARCA1):c.2782C>T (p.Arg928Ter)

Gene: SMARCA1 (SNF2 related chromatin remodeling ATPase 1; minus strand). Cytogenetic location: Xq25.
Variant type: single nucleotide variant.
Coding change: c.2782C>T on transcript NM_001282874.2 (MANE Select); coding-DNA position 2782, C replaced by T.
Protein change: p.Arg928Ter; replaces arginine 928 with a stop codon.
Molecular consequence: nonsense.
Genome position (GRCh38, 1-based): chrX:129,465,879, G>A on the plus strand (C>T on the coding strand, the complement: SMARCA1 is on the minus strand). VCF-style: chrX-129465879-G-A. GRCh37 (hg19) VCF-style: chrX-128599856-G-A.
Other names: c.2746C>T, p.Arg916Ter (NM_001282875.2, NM_001378262.1, NM_001378263.1 and 1 more transcripts); c.2782C>T, p.Arg928Ter (NM_001378261.1, NM_003069.5); short protein forms R916*, R928*.
Identifiers: ClinVar variation 4822868 (VCV004822868.4).

ClinVar aggregate classification (germline): Pathogenic (1 of 4 stars; one submission).

Submission:

CeGaT Center for Human Genetics Tuebingen
Classification: Pathogenic. Last evaluated: 2026-01-01. Review status: criteria provided, single submitter. Criteria: CeGaT Center For Human Genetics Tuebingen Variant Classification Criteria Version 2. Collection method: clinical testing. Allele origin: germline. Affected: yes. Observed: 1 variant allele.
Comment: SMARCA1: PVS1, PM2